The following is an entry in ClinVar:

NM_002025.4(AFF2):c.3374C>T (p.Thr1125Ile)

Gene: AFF2 (ALF transcription elongation factor 2; plus strand). Cytogenetic location: Xq28.
Variant type: single nucleotide variant.
Coding change: c.3374C>T on transcript NM_002025.4 (MANE Select); coding-DNA position 3374, C replaced by T.
Protein change: p.Thr1125Ile; replaces threonine 1125 with isoleucine.
Molecular consequence: missense variant.
Genome position (GRCh38, 1-based): chrX:148,973,577, C>T. VCF-style: chrX-148973577-C-T. GRCh37 (hg19) VCF-style: chrX-148055107-C-T.
Other names: c.3269C>T, p.Thr1090Ile (NM_001169122.2, NM_001169124.2); c.3344C>T, p.Thr1115Ile (NM_001169123.2); c.3257C>T, p.Thr1086Ile (NM_001169125.2); c.2297C>T, p.Thr766Ile (NM_001170628.1); short protein forms T1086I, T1090I, T1115I, T1125I, T766I.
Identifiers: ClinVar variation 2499155 (VCV002499155.28), dbSNP rs2521958825, ClinGen allele CA414513416.

ClinVar aggregate classification (germline): Uncertain significance (1 of 4 stars; one submission).

Allele frequency attached by ClinVar (database versions not stated): gnomAD exomes below 0.00001.
gnomAD v4.1: 1 of 1,211,216 alleles (0.000083%); highest among the groups gnomAD compares: Non-Finnish European, 0.00011%; no homozygotes.

Submission:

CeGaT Center for Human Genetics Tuebingen
Classification: Uncertain significance. Last evaluated: 2023-02-01. Review status: criteria provided, single submitter. Criteria: CeGaT Center For Human Genetics Tuebingen Variant Classification Criteria Version 2. Collection method: clinical testing. Allele origin: germline. Affected: yes. Observed: 1 variant allele.
Comment: AFF2: PM2, PP3